The following is an entry in ClinVar:

NM_030665.4(RAI1):c.3532C>G (p.Leu1178Val)

Gene: RAI1 (retinoic acid induced 1; plus strand). Cytogenetic location: 17p11.2.
Variant type: single nucleotide variant.
Coding change: c.3532C>G on transcript NM_030665.4 (MANE Select); coding-DNA position 3532, C replaced by G.
Protein change: p.Leu1178Val; replaces leucine 1178 with valine.
Molecular consequence: missense variant.
Genome position (GRCh38, 1-based): chr17:17,796,480, C>G. VCF-style: chr17-17796480-C-G. GRCh37 (hg19) VCF-style: chr17-17699794-C-G.
Other names: short protein forms L1178V.
Identifiers: ClinVar variation 521264 (VCV000521264.12), dbSNP rs147321650, ClinGen allele CA8418744.

ClinVar aggregate classification (germline): Uncertain significance. Review status: criteria provided, multiple submitters, no conflicts (2 of 4 stars). 3 submissions from 3 submitters: Uncertain significance (3). Last evaluated 2025-08-11.

Conditions:
Inborn genetic diseases. Identifiers: MedGen C0950123, MeSH D030342.
RAI1-related disorder. Also called: RAI1-related condition.

Allele frequency attached by ClinVar (database versions not stated): ExAC 0.00001; gnomAD 0.00003 and 0.00004; TOPMed 0.00006; ESP Exome Variant Server 0.00015.
gnomAD v4.1: 6 of 1,611,528 alleles (0.00037%); highest among the groups gnomAD compares: African/African-American, 0.008%; no homozygotes.

Submissions (3):

Labcorp Genetics (formerly Invitae), Labcorp
Classification: Uncertain significance. Last evaluated: 2025-08-11. Review status: criteria provided, single submitter. Criteria: Invitae Variant Classification Sherloc (09022015). Collection method: clinical testing. Allele origin: germline.
Comment: This sequence change replaces leucine, which is neutral and non-polar, with valine, which is neutral and non-polar, at codon 1178 of the RAI1 protein (p.Leu1178Val). This variant is present in population databases (rs147321650, gnomAD 0.02%). This variant has not been reported in the literature in individuals affected with RAI1-related conditions. ClinVar contains an entry for this variant (Variation ID: 521264). Invitae Evidence Modeling of protein sequence and biophysical properties (such as structural, functional, and spatial information, amino acid conservation, physicochemical variation, residue mobility, and thermodynamic stability) indicates that this missense variant is not expected to disrupt RAI1 protein function with a negative predictive value of 80%. In summary, the available evidence is currently insufficient to determine the role of this variant in disease. Therefore, it has been classified as a Variant of Uncertain Significance.

PreventionGenetics, part of Exact Sciences
Classification: Uncertain significance for RAI1-related condition. Last evaluated: 2025-01-30. Review status: criteria provided, single submitter. Criteria: ACMG Guidelines, 2015. Collection method: clinical testing. Allele origin: germline.
Comment: The RAI1 c.3532C>G variant is predicted to result in the amino acid substitution p.Leu1178Val. To our knowledge, this variant has not been reported in the literature. This variant is reported in 0.034% of alleles in individuals of African descent in gnomAD, which may be too common to be a primary cause of disease. Although we suspect that this variant may be benign, at this time, the clinical significance of this variant is uncertain due to the absence of conclusive functional and genetic evidence.

Ambry Genetics
Classification: Uncertain significance for Inborn genetic diseases. Last evaluated: 2016-12-20. Review status: criteria provided, single submitter. Criteria: Ambry exome assertion method (8-5-2015). Collection method: clinical testing. Allele origin: germline. Affected: yes. Observed: 1 variant allele.